The following is an entry in ClinVar:

NM_000273.3(GPR143):c.570C>G (p.His190Gln)

Gene: GPR143 (G protein-coupled receptor 143; minus strand). Cytogenetic location: Xp22.2.
Variant type: single nucleotide variant.
Coding change: c.570C>G on transcript NM_000273.3 (MANE Select); coding-DNA position 570, C replaced by G.
Protein change: p.His190Gln; replaces histidine 190 with glutamine.
Molecular consequence: missense variant.
Genome position (GRCh38, 1-based): chrX:9,746,132, G>C on the plus strand (C>G on the coding strand, the complement: GPR143 is on the minus strand). VCF-style: chrX-9746132-G-C. GRCh37 (hg19) VCF-style: chrX-9714172-G-C.
Other names: short protein forms H190Q.
Identifiers: ClinVar variation 1355604 (VCV001355604.8), dbSNP rs61733440, ClinGen allele CA411997391.

ClinVar aggregate classification (germline): Uncertain significance (1 of 4 stars; one submission).

gnomAD v4.1: 1 of 1,187,362 alleles (0.000084%); highest among the groups gnomAD compares: Admixed American, 0.0022%; no homozygotes.

Submission:

Labcorp Genetics (formerly Invitae), Labcorp
Classification: Uncertain significance. Last evaluated: 2024-07-31. Review status: criteria provided, single submitter. Criteria: Invitae Variant Classification Sherloc (09022015). Collection method: clinical testing. Allele origin: germline.
Comment: This sequence change replaces histidine, which is basic and polar, with glutamine, which is neutral and polar, at codon 190 of the GPR143 protein (p.His190Gln). This variant is not present in population databases (gnomAD no frequency). This variant has not been reported in the literature in individuals affected with GPR143-related conditions. ClinVar contains an entry for this variant (Variation ID: 1355604). Advanced modeling of protein sequence and biophysical properties (such as structural, functional, and spatial information, amino acid conservation, physicochemical variation, residue mobility, and thermodynamic stability) performed at Invitae indicates that this missense variant is not expected to disrupt GPR143 protein function with a negative predictive value of 80%. In summary, the available evidence is currently insufficient to determine the role of this variant in disease. Therefore, it has been classified as a Variant of Uncertain Significance.